The following is an entry in ClinVar:

NM_018979.4(WNK1):c.-598C>G

Gene: WNK1 (WNK lysine deficient protein kinase 1; plus strand). Cytogenetic location: 12p13.33.
Variant type: single nucleotide variant.
Coding change: c.-598C>G on transcript NM_018979.4 (MANE Select); 598 bases upstream of the start codon, C replaced by G.
Molecular consequence: 5 prime UTR variant.
Genome position (GRCh38, 1-based): chr12:752,968, C>G. VCF-style: chr12-752968-C-G. GRCh37 (hg19) VCF-style: chr12-862134-C-G.
Other names: c.-598C>G (NM_001184985.2, NM_014823.3, NM_213655.5).
Identifiers: ClinVar variation 310518 (VCV000310518.5), dbSNP rs544362530, ClinGen allele CA10643368.

ClinVar aggregate classification (germline): Benign (1 of 4 stars; one submission).

Conditions:
Pseudohypoaldosteronism type 2C (PHA2C). Also called: Pseudohypoaldosteronism Type IIC. Identifiers: Orphanet 757, Orphanet 88940, MedGen C1840391, MONDO:0013778, OMIM 614492.

Allele frequency attached by ClinVar (database versions not stated): gnomAD 0.00402 and 0.00562; TOPMed 0.00473; 1000 Genomes Project 0.01158; 1000 Genomes Project 30x 0.01218.

Submission:

Illumina Laboratory Services, Illumina
Classification: Benign for Pseudohypoaldosteronism type 2C. Last evaluated: 2018-01-13. Review status: criteria provided, single submitter. Criteria: ICSL Variant Classification Criteria 13 December 2019. Collection method: clinical testing. Allele origin: germline.
Comment: This variant was observed in the ICSL laboratory as part of a predisposition screen in an ostensibly healthy population. It had not been previously curated by ICSL or reported in the Human Gene Mutation Database (HGMD: prior to June 1st, 2018), and was therefore a candidate for classification through an automated scoring system. Utilizing variant allele frequency, disease prevalence and penetrance estimates, and inheritance mode, an automated score was calculated to assess if this variant is too frequent to cause the disease. Based on the score and internal cut-off values, a variant classified as benign is not then subjected to further curation. The score for this variant resulted in a classification of benign for this disease.